The following is an entry in ClinVar:

ClinVar aggregate classification (germline): Benign. Review status: criteria provided, multiple submitters, no conflicts (2 of 4 stars). 2 submissions from 2 submitters: Benign (2). Last evaluated 2018-06-14.

Allele frequency attached by ClinVar (database versions not stated): TOPMed 0.88750; gnomAD 0.90027; 1000 Genomes Project 30x 0.90225; 1000 Genomes Project 0.90855; gnomAD exomes 0.92423.
gnomAD v4.1: 744,885 of 811,274 alleles (92%); highest among the groups gnomAD compares: East Asian, 97%; 342,781 homozygotes.

Submissions (2):

GeneDx
Classification: Benign. Last evaluated: 2018-06-14. Review status: criteria provided, single submitter. Criteria: GeneDx Variant Classification (06012015). Collection method: clinical testing. Allele origin: germline. Affected: yes.
Comment: This variant is considered likely benign or benign based on one or more of the following criteria: it is a conservative change, it occurs at a poorly conserved position in the protein, it is predicted to be benign by multiple in silico algorithms, and/or has population frequency not consistent with disease.

Breakthrough Genomics
Classification: Benign. Review status: criteria provided, single submitter. Criteria: ACMG Guidelines, 2015. Collection method: not provided. Allele origin: germline. Inheritance: Autosomal recessive inheritance. Affected: yes.

NM_012062.5(DNM1L):c.1597-114C>T

Gene: DNM1L (dynamin 1 like; plus strand). Cytogenetic location: 12p11.21.
Variant type: single nucleotide variant.
Coding change: c.1597-114C>T on transcript NM_012062.5 (MANE Select); 114 bases into the intron before coding-DNA position 1597, C replaced by T.
Molecular consequence: intron variant.
Genome position (GRCh38, 1-based): chr12:32,737,751, C>T. VCF-style: chr12-32737751-C-T. GRCh37 (hg19) VCF-style: chr12-32890685-C-T.
Other names: c.1636-114C>T (NM_001278464.2, NM_001278465.2); c.1635+590C>T (NM_001330380.2); c.988-114C>T (NM_001278466.2); c.1597-114C>T (NM_001278463.2); c.1597-513C>T (NM_012063.4); c.1596+590C>T (NM_005690.5).
Identifiers: ClinVar variation 676117 (VCV000676117.2), dbSNP rs2177704, ClinGen allele CA13701094.